The following is an entry in ClinVar:

ClinVar aggregate classification (germline): Conflicting classifications of pathogenicity. Review status: criteria provided, conflicting classifications (1 of 4 stars). 3 submissions from 3 submitters: Likely pathogenic (2); Uncertain significance (1). Last evaluated 2025-05-31.

Conditions:
Hereditary cancer-predisposing syndrome. Also called: Neoplastic Syndromes, Hereditary; Hereditary Cancer Syndrome; Hereditary neoplastic syndrome; Tumor predisposition. Identifiers: Orphanet 140162, MedGen C0027672, MeSH D009386, MONDO:0015356.
Cardiovascular phenotype. Identifiers: MedGen CN230736.
Neurofibromatosis, type 1 (NF1). Also called: VON RECKLINGHAUSEN DISEASE; Peripheral type neurofibromatosis; NEUROFIBROMATOSIS, TYPE I, SOMATIC; Neurofibromatosis, type I. Identifiers: Orphanet 636, MedGen C0027831, MONDO:0018975, OMIM 162200. Disease mechanism: loss of function.

Submissions (3):

Ambry Genetics
Classification: Likely pathogenic for Cardiovascular phenotype; Hereditary cancer-predisposing syndrome. Last evaluated: 2025-05-31. Review status: criteria provided, single submitter. Criteria: Ambry Variant Classification Scheme 2023. Collection method: clinical testing. Allele origin: germline.
Comment: The c.3870G>C variant (also known as p.K1290N), located in coding exon 28 of the NF1 gene, results from a G to C substitution at nucleotide position 3870. The amino acid change results in lysine to asparagine at codon 1290, an amino acid with similar properties. However, this change occurs in the last base pair of coding exon 28, which makes it likely to have some effect on normal mRNA splicing. RNA studies have demonstrated that this alteration results in abnormal splicing in the set of samples tested (Ambry internal data). This variant was reported in individual(s) with features consistent with Neurofibromatosis 1 (Ambry internal data). This variant is considered to be rare based on population cohorts in the Genome Aggregation Database (gnomAD). This nucleotide position is highly conserved in available vertebrate species. In silico splice site analysis predicts that this alteration will weaken the native splice donor site and may result in the creation or strengthening of a novel splice donor site. Based on the majority of available evidence to date, this variant is likely to be pathogenic.

Labcorp Genetics (formerly Invitae), Labcorp
Classification: Likely pathogenic for Neurofibromatosis, type 1. Last evaluated: 2023-04-05. Review status: criteria provided, single submitter. Criteria: Invitae Variant Classification Sherloc (09022015). Collection method: clinical testing. Allele origin: germline.
Comment: This variant is not present in population databases (gnomAD no frequency). This sequence change replaces lysine, which is basic and polar, with asparagine, which is neutral and polar, at codon 1290 of the NF1 protein (p.Lys1290Asn). RNA analysis indicates that this missense change induces altered splicing and may result in an absent or disrupted protein product. This missense change has been observed in individual(s) with clinical features of neurofibromatosis, type 1 (Invitae). In summary, the currently available evidence indicates that the variant is pathogenic, but additional data are needed to prove that conclusively. Therefore, this variant has been classified as Likely Pathogenic. Variants that disrupt the consensus splice site are a relatively common cause of aberrant splicing (PMID: 17576681, 9536098). Studies have shown that this missense change results in activation of a cryptic splice site and introduces a premature termination codon (Invitae). The resulting mRNA is expected to undergo nonsense-mediated decay. An algorithm developed to predict the effect of missense changes on protein structure and function (PolyPhen-2) suggests that this variant is likely to be disruptive. ClinVar contains an entry for this variant (Variation ID: 457672).

Blueprint Genetics
Classification: Uncertain significance. Last evaluated: 2021-06-03. Review status: criteria provided, single submitter. Criteria: ACMG Guidelines, 2015. Collection method: clinical testing. Allele origin: germline.

Literature cited by the submitters: PubMed 17576681 (cited by Labcorp Genetics (formerly Invitae), Labcorp); PubMed 9536098 (cited by Labcorp Genetics (formerly Invitae), Labcorp).

NM_001042492.3(NF1):c.3870G>C (p.Lys1290Asn)

Gene: NF1 (neurofibromin 1; plus strand). Cytogenetic location: 17q11.2.
Variant type: single nucleotide variant.
Coding change: c.3870G>C on transcript NM_001042492.3 (MANE Select); coding-DNA position 3870, G replaced by C.
Protein change: p.Lys1290Asn; replaces lysine 1290 with asparagine.
Molecular consequence: missense variant.
Genome position (GRCh38, 1-based): chr17:31,235,772, G>C. VCF-style: chr17-31235772-G-C. GRCh37 (hg19) VCF-style: chr17-29562790-G-C.
Other names: c.3870G>C, p.Lys1290Asn (NM_000267.4); short protein forms K1290N.
Identifiers: ClinVar variation 457672 (VCV000457672.7), dbSNP rs1555615497, ClinGen allele CA398992935.
Genomic context (GRCh38, chr17:31,235,772, plus strand): 5'-CATGCAGACTCTCTTCCGAGGCAACAGCTTGGCCAGTAAAATAATGACATTCTGTTTCAA[G>C]GTTTGTATCATTCATTTTGTGTGTATGTGTGTGCTGAGGTATGTCAAGTAATGATTATGT-3'
Protein context (NP_001035957.1, residues 1280-1300): LASKIMTFCF[Lys1290Asn]VYGATYLQKL